The following is an entry in ClinVar:

ClinVar aggregate classification (germline): Uncertain significance (1 of 4 stars; one submission).

Submission:

Labcorp Genetics (formerly Invitae), Labcorp
Classification: Uncertain significance. Last evaluated: 2020-12-08. Review status: criteria provided, single submitter. Criteria: Invitae Variant Classification Sherloc (09022015). Collection method: clinical testing. Allele origin: germline.
Comment: This variant is not present in population databases (ExAC no frequency). This sequence change replaces alanine with valine at codon 21 of the RTTN protein (p.Ala21Val). The alanine residue is moderately conserved and there is a small physicochemical difference between alanine and valine. This variant has not been reported in the literature in individuals with RTTN-related conditions. In summary, the available evidence is currently insufficient to determine the role of this variant in disease. Therefore, it has been classified as a Variant of Uncertain Significance. Algorithms developed to predict the effect of missense changes on protein structure and function are either unavailable or do not agree on the potential impact of this missense change (SIFT: "Deleterious"; PolyPhen-2: "Possibly Damaging"; Align-GVGD: "Class C0").

NM_173630.4(RTTN):c.62C>T (p.Ala21Val)

Gene: RTTN (rotatin; minus strand). Cytogenetic location: 18q22.2.
Variant type: single nucleotide variant.
Coding change: c.62C>T on transcript NM_173630.4 (MANE Select); coding-DNA position 62, C replaced by T.
Protein change: p.Ala21Val; replaces alanine 21 with valine.
Molecular consequence: missense variant. On other transcripts: 5 prime UTR variant (1).
Genome position (GRCh38, 1-based): chr18:70,205,285, G>A on the plus strand (C>T on the coding strand, the complement: RTTN is on the minus strand). VCF-style: chr18-70205285-G-A. GRCh37 (hg19) VCF-style: chr18-67872521-G-A.
Other names: c.-2492C>T (NM_001318520.2); short protein forms A21V.
Identifiers: ClinVar variation 1428338 (VCV001428338.8), dbSNP rs2146209019, ClinGen allele CA402693129.
Genomic context (GRCh38, chr18:70,205,285, plus strand): 5'-TGAATGAGATCAGCGTAGCAGATTAAGTTGTGCTCAATCTTGCAGAGAATACTCTTGAGA[G>A]CGCGCTCCCTGATCTCGGCCAGCTGATGACCTGTCAACGAACGGCACAAAACTATTTTAT-3'
Protein context (NP_775901.3, residues 11-31): GHQLAEIRER[Ala21Val]LKSILCKIEH